The following is an entry in ClinVar:

ClinVar aggregate classification (germline): Uncertain significance (1 of 4 stars; one submission).

Conditions:
RASopathy. Also called: rasopathies; Noonan spectrum disorder. Identifiers: Orphanet 536391, MedGen C5555857, MONDO:0021060.

gnomAD v4.1: 2 of 1,520,870 alleles (0.00013%); highest among the groups gnomAD compares: East Asian, 0.0025%; no homozygotes.

Submission:

Labcorp Genetics (formerly Invitae), Labcorp
Classification: Uncertain significance for RASopathy. Last evaluated: 2021-06-13. Review status: criteria provided, single submitter. Criteria: Invitae Variant Classification Sherloc (09022015). Collection method: clinical testing. Allele origin: germline.
Comment: This sequence change replaces alanine with valine at codon 27 of the BRAF protein (p.Ala27Val). The alanine residue is weakly conserved and there is a small physicochemical difference between alanine and valine. In summary, the available evidence is currently insufficient to determine the role of this variant in disease. Therefore, it has been classified as a Variant of Uncertain Significance. Algorithms developed to predict the effect of sequence changes on RNA splicing suggest that this variant may create or strengthen a splice site, but this prediction has not been confirmed by published transcriptional studies. Advanced modeling of protein sequence and biophysical properties (such as structural, functional, and spatial information, amino acid conservation, physicochemical variation, residue mobility, and thermodynamic stability) performed at Invitae indicates that this missense variant is not expected to disrupt BRAF protein function. This variant has not been reported in the literature in individuals with BRAF-related conditions. The frequency data for this variant in the population databases is considered unreliable, as metrics indicate insufficient coverage at this position in the ExAC database.

NM_004333.6(BRAF):c.80C>T (p.Ala27Val)

Gene: BRAF (B-Raf proto-oncogene, serine/threonine kinase; minus strand). Cytogenetic location: 7q34.
Variant type: single nucleotide variant.
Coding change: c.80C>T on transcript NM_004333.6 (MANE Select); coding-DNA position 80, C replaced by T.
Protein change: p.Ala27Val; replaces alanine 27 with valine.
Molecular consequence: missense variant.
Genome position (GRCh38, 1-based): chr7:140,924,624, G>A on the plus strand (C>T on the coding strand, the complement: BRAF is on the minus strand). VCF-style: chr7-140924624-G-A. GRCh37 (hg19) VCF-style: chr7-140624424-G-A.
Other names: c.80C>T, p.Ala27Val (NM_001354609.2, NM_001374244.1, NM_001374258.1 and 7 more transcripts); short protein forms A27V.
Identifiers: ClinVar variation 1417104 (VCV001417104.8), dbSNP rs1206505128, ClinGen allele CA369590136.
Genomic context (GRCh38, chr7:140,924,624, plus strand): 5'-ACCTCCTCCGGAATGGCAGGGTCCGCAGCCGAAGAGGCCGCGGCGCCGGCGCCGGCGCCG[G>A]CCTCGGGCTCCATGTCCCCGTTGAACAGAGCCTGGCCCGGCTCCGCGCCGCCACCACCGC-3'
Protein context (NP_004324.2, residues 17-37): ALFNGDMEPE[Ala27Val]GAGAGAAASS